The following is an entry in ClinVar:

ClinVar aggregate classification (germline): Pathogenic (1 of 4 stars; one submission).

Conditions:
Autosomal recessive limb-girdle muscular dystrophy type 2B (LGMDR2). Also called: MUSCULAR DYSTROPHY, LIMB-GIRDLE, TYPE 3; MUSCULAR DYSTROPHY, LIMB-GIRDLE, AUTOSOMAL RECESSIVE 2; Limb-Girdle Muscular Dystrophy Type 2B (LGMD2B); Limb-girdle muscular dystrophy, type 2B. Identifiers: Orphanet 268, MedGen C1850889, MONDO:0009676, OMIM 253601.

Submission:

Natera, Inc.
Classification: Pathogenic for Limb-girdle muscular dystrophy type 2B. Last evaluated: 2024-11-12. Review status: criteria provided, single submitter. Criteria: Natera Variant Classification Schema (03/2026). Collection method: clinical testing. Allele origin: germline.
Comment: The c.3601_3607del variant in DYSF is a frameshift variant predicted to shift the reading frame beginning at codon 1201 and leads to a stop codon 58 codons downstream. This variant is expected to result in nonsense mediated decay, truncation, or a dysfunctional protein product. This variant is rare in the general population with a frequency below the threshold expected for the associated phenotype(s). This variant has been observed in one or more individuals affected with the associated recessive disease, as either homozygous or compound heterozygous with a second variant (PMID: 16996541). Given the available evidence, this variant is classified as Pathogenic.

Literature cited by the submitters: PubMed 16996541.

NM_001130987.2(DYSF):c.3655_3661del (p.Gln1219fs)

Gene: DYSF (dysferlin; plus strand). Cytogenetic location: 2p13.2.
Variant type: Deletion.
Coding change: c.3655_3661del on transcript NM_001130987.2 (MANE Select); coding-DNA positions 3655 to 3661, 7 bases deleted (CAGACGC; older notation c.3655_3661delCAGACGC).
Protein change: p.Gln1219fs; shifts the reading frame from glutamine 1219.
Molecular consequence: frameshift variant.
Genome position (GRCh38, 1-based): chr2:71,598,644-71,598,650, CAGACGC deleted; deleting any 7 consecutive bases within chr2:71,598,643-71,598,650 gives the same sequence; the c. name uses the placement nearest the transcript's 3' end. VCF-style (leftmost placement, unchanged base first): chr2-71598642-ACCAGACG-A. GRCh37 (hg19) VCF-style: chr2-71825772-ACCAGACG-A.
Other names: c.3604_3610del, p.Gln1202fs (NM_001130455.2, NM_001130983.2); c.3559_3565del, p.Gln1187fs (NM_001130976.2, NM_001130977.2); c.3601_3607del, p.Gln1201fs (NM_001130978.2, NM_003494.4); c.3694_3700del, p.Gln1232fs (NM_001130979.2); c.3652_3658del, p.Gln1218fs (NM_001130980.2, NM_001130981.2); c.3697_3703del, p.Gln1233fs (NM_001130982.2); c.3562_3568del, p.Gln1188fs (NM_001130984.2, NM_001130986.2); c.3655_3661del, p.Gln1219fs (NM_001130985.2); short protein forms Q1187fs, Q1188fs, Q1201fs, Q1202fs, Q1218fs, Q1219fs, Q1232fs, Q1233fs.
Identifiers: ClinVar variation 4815141 (VCV004815141.1).